The following is an entry in ClinVar:

NM_001029896.2(WDR45):c.583A>G (p.Ile195Val)

Gene: WDR45 (WD repeat domain 45; minus strand). Cytogenetic location: Xp11.23.
Variant type: single nucleotide variant.
Coding change: c.583A>G on transcript NM_001029896.2 (MANE Select); coding-DNA position 583, A replaced by G.
Protein change: p.Ile195Val; replaces isoleucine 195 with valine.
Molecular consequence: missense variant.
Genome position (GRCh38, 1-based): chrX:49,075,687, T>C on the plus strand (A>G on the coding strand, the complement: WDR45 is on the minus strand). VCF-style: chrX-49075687-T-C. GRCh37 (hg19) VCF-style: chrX-48933346-T-C.
Other names: c.586A>G, p.Ile196Val (NM_007075.4); short protein forms I195V, I196V.
Identifiers: ClinVar variation 3669567 (VCV003669567.2).

ClinVar aggregate classification (germline): Uncertain significance (1 of 4 stars; one submission).

Conditions:
Neurodegeneration with brain iron accumulation 5 (NBIA5). Also called: Beta-propeller protein-associated neurodegeneration; STATIC ENCEPHALOPATHY OF CHILDHOOD WITH NEURODEGENERATION IN ADULTHOOD. Identifiers: Orphanet 329284, MedGen C3550973, MONDO:0010476, OMIM 300894.

Submission:

Labcorp Genetics (formerly Invitae), Labcorp
Classification: Uncertain significance for Neurodegeneration with brain iron accumulation 5. Last evaluated: 2024-10-17. Review status: criteria provided, single submitter. Criteria: Invitae Variant Classification Sherloc (09022015). Collection method: clinical testing. Allele origin: germline.
Comment: This sequence change replaces isoleucine, which is neutral and non-polar, with valine, which is neutral and non-polar, at codon 196 of the WDR45 protein (p.Ile196Val). The frequency data for this variant in the population databases is considered unreliable, as metrics indicate poor data quality at this position in the gnomAD database. This variant has not been reported in the literature in individuals affected with WDR45-related conditions. Invitae Evidence Modeling of protein sequence and biophysical properties (such as structural, functional, and spatial information, amino acid conservation, physicochemical variation, residue mobility, and thermodynamic stability) indicates that this missense variant is not expected to disrupt WDR45 protein function with a negative predictive value of 80%. In summary, the available evidence is currently insufficient to determine the role of this variant in disease. Therefore, it has been classified as a Variant of Uncertain Significance.